The following is an entry in ClinVar:

ClinVar aggregate classification (germline): Uncertain significance. Review status: criteria provided, multiple submitters, no conflicts (2 of 4 stars). 2 submissions from 2 submitters: Uncertain significance (2). Last evaluated 2023-12-27.

Conditions:
Hereditary cancer-predisposing syndrome. Also called: Tumor predisposition; Hereditary neoplastic syndrome; Neoplastic Syndromes, Hereditary; Hereditary Cancer Syndrome. Identifiers: Orphanet 140162, MedGen C0027672, MeSH D009386, MONDO:0015356.
Oligodontia-cancer predisposition syndrome. Also called: TOOTH AGENESIS-COLORECTAL CANCER SYNDROME. Identifiers: Orphanet 300576, MedGen C1837750, MONDO:0012075, OMIM 608615. Disease mechanism: loss of function.

Allele frequency attached by ClinVar (database versions not stated): gnomAD exomes below 0.00001.
gnomAD v4.1: 3 of 1,614,154 alleles (0.00019%); highest among the groups gnomAD compares: Non-Finnish European, 0.00025%; no homozygotes.

Submissions (2):

Ambry Genetics
Classification: Uncertain significance for Hereditary cancer-predisposing syndrome. Last evaluated: 2023-12-27. Review status: criteria provided, single submitter. Criteria: Ambry Variant Classification Scheme 2023. Collection method: clinical testing. Allele origin: germline.
Comment: The p.H558Y variant (also known as c.1672C>T), located in coding exon 5 of the AXIN2 gene, results from a C to T substitution at nucleotide position 1672. The histidine at codon 558 is replaced by tyrosine, an amino acid with similar properties. This amino acid position is not well conserved in available vertebrate species. In addition, this alteration is predicted to be tolerated by in silico analysis. Since supporting evidence is limited at this time, the clinical significance of this alteration remains unclear.

Labcorp Genetics (formerly Invitae), Labcorp
Classification: Uncertain significance for Oligodontia-cancer predisposition syndrome. Last evaluated: 2023-08-11. Review status: criteria provided, single submitter. Criteria: Invitae Variant Classification Sherloc (09022015). Collection method: clinical testing. Allele origin: germline.
Comment: This variant is not present in population databases (gnomAD no frequency). This sequence change replaces histidine, which is basic and polar, with tyrosine, which is neutral and polar, at codon 558 of the AXIN2 protein (p.His558Tyr). This variant has not been reported in the literature in individuals affected with AXIN2-related conditions. ClinVar contains an entry for this variant (Variation ID: 1359326). Advanced modeling of protein sequence and biophysical properties (such as structural, functional, and spatial information, amino acid conservation, physicochemical variation, residue mobility, and thermodynamic stability) performed at Invitae indicates that this missense variant is not expected to disrupt AXIN2 protein function. In summary, the available evidence is currently insufficient to determine the role of this variant in disease. Therefore, it has been classified as a Variant of Uncertain Significance.

NM_004655.4(AXIN2):c.1672C>T (p.His558Tyr)

Gene: AXIN2 (axin 2; minus strand). Cytogenetic location: 17q24.1.
Variant type: single nucleotide variant.
Coding change: c.1672C>T on transcript NM_004655.4 (MANE Select); coding-DNA position 1672, C replaced by T.
Protein change: p.His558Tyr; replaces histidine 558 with tyrosine.
Molecular consequence: missense variant.
Genome position (GRCh38, 1-based): chr17:65,537,364, G>A on the plus strand (C>T on the coding strand, the complement: AXIN2 is on the minus strand). VCF-style: chr17-65537364-G-A. GRCh37 (hg19) VCF-style: chr17-63533482-G-A.
Other names: c.1672C>T, p.His558Tyr (NM_001363813.1); short protein forms H558Y.
Identifiers: ClinVar variation 1359326 (VCV001359326.10), dbSNP rs2144456373, ClinGen allele CA400676869.